The following is an entry in ClinVar:

ClinVar aggregate classification (germline): Uncertain significance (1 of 4 stars; one submission).

gnomAD v4.1: 2 of 1,614,196 alleles (0.00012%); highest among the groups gnomAD compares: African/African-American, 0.0027%; no homozygotes.

Submission:

Labcorp Genetics (formerly Invitae), Labcorp
Classification: Uncertain significance. Last evaluated: 2024-10-16. Review status: criteria provided, single submitter. Criteria: Invitae Variant Classification Sherloc (09022015). Collection method: clinical testing. Allele origin: germline.
Comment: This sequence change replaces leucine, which is neutral and non-polar, with proline, which is neutral and non-polar, at codon 1762 of the ALPK3 protein (p.Leu1762Pro). This variant is not present in population databases (gnomAD no frequency). This variant has not been reported in the literature in individuals affected with ALPK3-related conditions. Invitae Evidence Modeling of protein sequence and biophysical properties (such as structural, functional, and spatial information, amino acid conservation, physicochemical variation, residue mobility, and thermodynamic stability) indicates that this missense variant is expected to disrupt ALPK3 protein function with a positive predictive value of 80%. In summary, the available evidence is currently insufficient to determine the role of this variant in disease. Therefore, it has been classified as a Variant of Uncertain Significance.

NM_020778.5(ALPK3):c.4679T>C (p.Leu1560Pro)

Gene: ALPK3 (alpha kinase 3; plus strand). Cytogenetic location: 15q25.3.
Variant type: single nucleotide variant.
Coding change: c.4679T>C on transcript NM_020778.5 (MANE Select); coding-DNA position 4679, T replaced by C.
Protein change: p.Leu1560Pro; replaces leucine 1560 with proline.
Molecular consequence: missense variant.
Genome position (GRCh38, 1-based): chr15:84,864,621, T>C. VCF-style: chr15-84864621-T-C. GRCh37 (hg19) VCF-style: chr15-85407852-T-C.
Other names: short protein forms L1560P.
Identifiers: ClinVar variation 3719837 (VCV003719837.2).